The following is an entry in ClinVar:

ClinVar aggregate classification (germline): Benign (3 of 4 stars; one submission).

Conditions:
Breast-ovarian cancer, familial, susceptibility to, 1 (BROVCA1). Also called: BRCA1 Hereditary Breast and Ovarian Cancer; OVARIAN CANCER, SUSCEPTIBILITY TO. Identifiers: Orphanet 145, MedGen C2676676, MONDO:0011450, OMIM 604370. Disease mechanism: loss of function.

Allele frequency attached by ClinVar (database versions not stated): 1000 Genomes Project 0.00559; 1000 Genomes Project 30x 0.00656.
gnomAD v4.1: 656 of 149,760 alleles (0.44%); highest among the groups gnomAD compares: African/African-American, 1.5%; 6 homozygotes.

Submission:

Evidence-based Network for the Interpretation of Germline Mutant Alleles (ENIGMA)
Classification: Benign for Breast-ovarian cancer, familial, susceptibility to, 1. Last evaluated: 2016-09-28. Review status: reviewed by expert panel. Criteria: ENIGMA BRCA1/2 Classification Criteria (2015). Collection method: curation. Allele origin: germline.
Comment: Class 1 not pathogenic based on frequency >1% in an outbred sampleset. Frequency 0.0212 (African), derived from 1000 genomes (2013-05-02).

NM_007294.4(BRCA1):c.5074+918G>C

Gene: BRCA1 (BRCA1 DNA repair associated; minus strand). Cytogenetic location: 17q21.31.
Variant type: single nucleotide variant.
Coding change: c.5074+918G>C on transcript NM_007294.4 (MANE Select); 918 bases into the intron after coding-DNA position 5074, G replaced by C.
Molecular consequence: intron variant.
Genome position (GRCh38, 1-based): chr17:43,066,690, C>G on the plus strand (G>C on the coding strand, the complement: BRCA1 is on the minus strand). VCF-style: chr17-43066690-C-G. GRCh37 (hg19) VCF-style: chr17-41218707-C-G.
Other names: c.4567+918G>C (NM_001407965.1); c.4807+918G>C (NM_001407930.1, NM_001407933.1, NM_001407927.1 and 4 more transcripts); c.4927+918G>C (NM_001407843.1, NM_001407847.1, NM_001407841.1 and 12 more transcripts); c.1624+918G>C (NM_001408456.1, NM_001408453.1, NM_001408455.1 and 3 more transcripts); c.4930+918G>C (NM_001407733.1, NM_001407751.1, NM_001407740.1 and 21 more transcripts); c.4933+918G>C (NM_001407942.1, NM_001407694.1, NM_001407696.1 and 13 more transcripts); c.1621+918G>C (NM_001408465.1, NM_001408463.1, NM_001408462.1 and 7 more transcripts); c.1552+918G>C (NM_001408482.1, NM_001408484.1, NM_001408485.1 and 5 more transcripts); and 71 more.
Identifiers: ClinVar variation 264837 (VCV000264837.2), dbSNP rs8176238, ClinGen allele CA10588203.